The following is an entry in ClinVar:

ClinVar aggregate classification (germline): Benign (1 of 4 stars; one submission).

Conditions:
Factor VII deficiency. Also called: Factor 7 deficiency; F7 DEFICIENCY; HYPOPROCONVERTINEMIA. Identifiers: MedGen C0015503, MeSH D005168, MONDO:0002244.

Allele frequency attached by ClinVar (database versions not stated): gnomAD exomes 0.00034; gnomAD 0.00287 and 0.00308; TOPMed 0.00328; 1000 Genomes Project 30x 0.00406; 1000 Genomes Project 0.00459.
gnomAD v4.1: 438 of 164,450 alleles (0.27%); highest among the groups gnomAD compares: African/African-American, 0.98%; 2 homozygotes.

Submission:

Illumina Laboratory Services, Illumina
Classification: Benign for Congenital factor VII deficiency. Last evaluated: 2018-01-12. Review status: criteria provided, single submitter. Criteria: ICSL Variant Classification Criteria 13 December 2019. Collection method: clinical testing. Allele origin: germline.
Comment: This variant was observed in the ICSL laboratory as part of a predisposition screen in an ostensibly healthy population. It had not been previously curated by ICSL or reported in the Human Gene Mutation Database (HGMD: prior to June 1st, 2018), and was therefore a candidate for classification through an automated scoring system. Utilizing variant allele frequency, disease prevalence and penetrance estimates, and inheritance mode, an automated score was calculated to assess if this variant is too frequent to cause the disease. Based on the score and internal cut-off values, a variant classified as benign is not then subjected to further curation. The score for this variant resulted in a classification of benign for this disease.

NM_019616.4(F7):c.*620C>T

Gene: F7 (coagulation factor VII; plus strand). Cytogenetic location: 13q34.
Variant type: single nucleotide variant.
Coding change: c.*620C>T on transcript NM_019616.4 (MANE Select); 620 bases downstream of the stop codon, C replaced by T.
Molecular consequence: 3 prime UTR variant. On other transcripts: non-coding transcript variant (1).
Genome position (GRCh38, 1-based): chr13:113,119,628, C>T. VCF-style: chr13-113119628-C-T. GRCh37 (hg19) VCF-style: chr13-113773942-C-T.
Other names: c.*620C>T (NM_000131.5, NM_001267554.2).
Identifiers: ClinVar variation 311244 (VCV000311244.5), dbSNP rs151109093, ClinGen allele CA10643841.